The following is an entry in ClinVar:

NM_015311.3(OBSL1):c.2135-7CA[2]

Gene: OBSL1 (obscurin like cytoskeletal adaptor 1; minus strand). Cytogenetic location: 2q35.
Variant type: Microsatellite.
Coding change: c.2135-7CA[2] on transcript NM_015311.3 (MANE Select); two copies in a row of the 2-base unit CA starting at c.2135-7; the reference has three copies in a row; one copy, 2 bases deleted.
Molecular consequence: splice acceptor variant.
Genome position (GRCh38, 1-based): chr2:219,565,516-219,565,517, TG deleted on the plus strand (CA on the coding strand, the reverse complement: OBSL1 is on the minus strand); deleting any 2 consecutive bases within chr2:219,565,516-219,565,521 gives the same sequence; the position shown is the placement nearest the transcript's 3' end. VCF-style (leftmost placement, unchanged base first): chr2-219565515-CTG-C. GRCh37 (hg19) VCF-style: chr2-220430237-CTG-C.
Other names: c.2135-7CA[2] (NM_001173431.2, NM_001173408.2); c.2135-3_2135-2delCA (NM_015311.3, NM_001173408.1).
Identifiers: ClinVar variation 225426 (VCV000225426.10), dbSNP rs140112967, ClinGen allele CA2131311.

ClinVar aggregate classification (germline): Conflicting classifications of pathogenicity. Review status: criteria provided, conflicting classifications (1 of 4 stars). 3 submissions from 3 submitters: Uncertain significance (2); Likely benign (1). Last evaluated 2026-06-04.

Conditions:
3M syndrome 2. Also called: 3-M Syndrome, OBSL1-Related; THREE M SYNDROME 2. Identifiers: Orphanet 2616, MedGen C2752041, MONDO:0013039, OMIM 612921.

Submissions (3):

Women's Health and Genetics/Laboratory Corporation of America, LabCorp
Classification: Uncertain significance. Last evaluated: 2026-06-04. Review status: criteria provided, single submitter. Criteria: LabCorp Variant Classification Summary - May 2015. Collection method: clinical testing. Allele origin: germline.
Comment: Variant summary: OBSL1 c.2135-3_2135-2delCA alters a conserved nucleotide located close to a canonical splice site and therefore could affect mRNA splicing, leading to a significantly altered protein sequence. Consensus agreement among computation tools predict no significant impact on normal splicing. However, these predictions have yet to be confirmed by functional studies. The variant allele was found at a frequency of 0.0006 in 242376 control chromosomes, predominantly at a frequency of 0.0078 within the East Asian subpopulation in the gnomAD database. The observed variant frequency within East Asian control individuals in the gnomAD database exceeds the estimated maximal expected allele frequency for disease-causing variants in OBSL1. c.2135-3_2135-2delCA has been observed as a compound heterozygous genotype in two siblings in a family affected with clinical features of Three M Syndrome 2 (example: Lee_2020). These data indicate that the variant may be associated with disease. To our knowledge, no experimental evidence demonstrating an impact on protein function has been reported. The following publications have been ascertained in the context of this evaluation (PMID: 33107243, 37875969). ClinVar contains an entry for this variant (Variation ID: 225426). Based on the evidence outlined above, the variant was classified as VUS-possibly benign.

Labcorp Genetics (formerly Invitae), Labcorp
Classification: Likely benign. Last evaluated: 2026-01-18. Review status: criteria provided, single submitter. Criteria: Invitae Variant Classification Sherloc (09022015). Collection method: clinical testing. Allele origin: germline.

Soonchunhyang University Bucheon Hospital, Soonchunhyang University Medical Center
Classification: Uncertain significance for 3M syndrome 2. Last evaluated: 2016-03-18. Review status: criteria provided, single submitter. Criteria: ACMG Guidelines, 2015. Collection method: reference population. Allele origin: germline. Observed: 1 variant allele.

Literature cited by the submitters: PubMed 33107243 (cited by Women's Health and Genetics/Laboratory Corporation of America, LabCorp); PubMed 37875969 (cited by Women's Health and Genetics/Laboratory Corporation of America, LabCorp); PubMed 19481195 (cited by Soonchunhyang University Bucheon Hospital, Soonchunhyang University Medical Center).